The following is an entry in ClinVar:

NM_000528.4(MAN2B1):c.1420-27_1420-3del

Gene: MAN2B1 (mannosidase alpha class 2B member 1; minus strand). Cytogenetic location: 19p13.13.
Variant type: Deletion.
Coding change: c.1420-27_1420-3del on transcript NM_000528.4 (MANE Select); 27 bases into the intron before coding-DNA position 1420 through 3 bases into the intron before coding-DNA position 1420, 25 bases deleted (CACCGGTCCCTTTGCGCTCTTCCGC).
Molecular consequence: intron variant.
Genome position (GRCh38, 1-based): chr19:12,657,059-12,657,083, GCGGAAGAGCGCAAAGGGACCGGTG deleted on the plus strand (CACCGGTCCCTTTGCGCTCTTCCGC on the coding strand, the reverse complement: MAN2B1 is on the minus strand); deleting any 25 consecutive bases within chr19:12,657,059-12,657,084 gives the same sequence; the c. name uses the placement nearest the transcript's 3' end. VCF-style (leftmost placement, unchanged base first): chr19-12657058-TGCGGAAGAGCGCAAAGGGACCGGTG-T. GRCh37 (hg19) VCF-style: chr19-12767872-TGCGGAAGAGCGCAAAGGGACCGGTG-T.
Other names: c.1417-27_1417-3del (NM_001173498.2); c.1420-27_1420-3delCACCGGTCCCTTTGCGCTCTTCCGC (NM_000528.3).
Identifiers: ClinVar variation 2419159 (VCV002419159.8), dbSNP rs1234850408, ClinGen allele CA783348295.

ClinVar aggregate classification (germline): Likely pathogenic. Review status: criteria provided, multiple submitters, no conflicts (2 of 4 stars). 3 submissions from 3 submitters: Likely pathogenic (3). Last evaluated 2025-07-28.

Conditions:
Deficiency of alpha-mannosidase (MANSA). Also called: Alpha-Mannosidosis; Mannosidosis, alpha-, types I and II; LYSOSOMAL ALPHA-D-MANNOSIDASE DEFICIENCY. Identifiers: Orphanet 61, MedGen C0024748, MONDO:0009561, OMIM 248500.

Submissions (3):

Natera, Inc.
Classification: Likely pathogenic for Alpha-mannosidosis. Last evaluated: 2025-07-28. Review status: criteria provided, single submitter. Criteria: Natera Variant Classification Schema (03/2026). Collection method: clinical testing. Allele origin: germline.
Comment: The c.1420-27_1420-3delCACCGGTCCCTTTGCGCTCTTCCGC variant in MAN2B1 is a deletion affecting an intronic region. This variant is rare in the general population with a frequency below the threshold expected for the associated phenotype(s). This variant has been observed in one or more individuals affected with the associated recessive disease, as either homozygous or compound heterozygous with a second variant (PMID: 9915946). Functional studies show that this variant may disrupt protein function (PMID: 9915946). Given the available evidence, this variant is classified as Likely Pathogenic.

Labcorp Genetics (formerly Invitae), Labcorp
Classification: Likely pathogenic for Deficiency of alpha-mannosidase. Last evaluated: 2023-12-27. Review status: criteria provided, single submitter. Criteria: Invitae Variant Classification Sherloc (09022015). Collection method: clinical testing. Allele origin: germline.
Comment: This sequence change falls in intron 11 of the MAN2B1 gene. It does not directly change the encoded amino acid sequence of the MAN2B1 protein. This variant is not present in population databases (gnomAD no frequency). This variant has been observed in individual(s) with alpha mannosidosis (PMID: 9915946). This variant is also known as IVS11-3del25. ClinVar contains an entry for this variant (Variation ID: 2419159). Studies have shown that this variant is associated with altered splicing resulting in multiple RNA products (PMID: 9915946). In summary, the currently available evidence indicates that the variant is pathogenic, but additional data are needed to prove that conclusively. Therefore, this variant has been classified as Likely Pathogenic.

Baylor Genetics
Classification: Likely pathogenic for Deficiency of alpha-mannosidase. Last evaluated: 2023-06-22. Review status: criteria provided, single submitter. Criteria: ACMG Guidelines, 2015. Collection method: clinical testing. Allele origin: unknown.

Literature cited by the submitters: PubMed 9915946 (cited by Natera, Inc. and Labcorp Genetics (formerly Invitae), Labcorp).